The following is an entry in ClinVar:

NM_001145809.2(MYH14):c.5167C>T (p.Arg1723Cys)

Gene: MYH14 (myosin heavy chain 14; plus strand). Cytogenetic location: 19q13.33.
Variant type: single nucleotide variant.
Coding change: c.5167C>T on transcript NM_001145809.2 (MANE Select); coding-DNA position 5167, C replaced by T.
Protein change: p.Arg1723Cys; replaces arginine 1723 with cysteine.
Molecular consequence: missense variant.
Genome position (GRCh38, 1-based): chr19:50,292,300, C>T. VCF-style: chr19-50292300-C-T. GRCh37 (hg19) VCF-style: chr19-50795557-C-T.
Other names: c.5068C>T, p.Arg1690Cys (NM_001077186.2); c.5044C>T, p.Arg1682Cys (NM_024729.4); short protein forms R1682C, R1690C, R1723C.
Identifiers: ClinVar variation 1919932 (VCV001919932.5), dbSNP rs778251472, ClinGen allele CA9593709.
Genomic context (GRCh38, chr19:50,292,300, plus strand): 5'-TACCTATTCCGTTCCACCCAGGCCCAGATGAAGGAGCTATGGCGGGAGGTGGAGGAGACA[C>T]GCACCTCCCGGGAGGAGATCTTCTCCCAGAATCGGGAAAGTGAAAAGCGCCTCAAGGGCC-3'
Protein context (NP_001139281.1, residues 1713-1733): KELWREVEET[Arg1723Cys]TSREEIFSQN

ClinVar aggregate classification (germline): Uncertain significance (1 of 4 stars; one submission).

Allele frequency attached by ClinVar (database versions not stated): gnomAD exomes 0.00001; ExAC 0.00002.
gnomAD v4.1: 16 of 1,598,678 alleles (0.001%); highest among the groups gnomAD compares: East Asian, 0.0045%; no homozygotes.

Submission:

Labcorp Genetics (formerly Invitae), Labcorp
Classification: Uncertain significance. Last evaluated: 2023-06-20. Review status: criteria provided, single submitter. Criteria: Invitae Variant Classification Sherloc (09022015). Collection method: clinical testing. Allele origin: germline.
Comment: This sequence change replaces arginine, which is basic and polar, with cysteine, which is neutral and slightly polar, at codon 1682 of the MYH14 protein (p.Arg1682Cys). This variant is not present in population databases (gnomAD no frequency). This variant has not been reported in the literature in individuals affected with MYH14-related conditions. ClinVar contains an entry for this variant (Variation ID: 1919932). Advanced modeling of protein sequence and biophysical properties (such as structural, functional, and spatial information, amino acid conservation, physicochemical variation, residue mobility, and thermodynamic stability) performed at Invitae indicates that this missense variant is not expected to disrupt MYH14 protein function. In summary, the available evidence is currently insufficient to determine the role of this variant in disease. Therefore, it has been classified as a Variant of Uncertain Significance.